The following is an entry in ClinVar:

ClinVar aggregate classification (germline): Benign/Likely benign. Review status: criteria provided, multiple submitters, no conflicts (2 of 4 stars). 5 submissions from 4 submitters: Benign (2); Likely benign (3). Last evaluated 2026-03-24.

Conditions:
Retinitis pigmentosa (RP). Identifiers: Orphanet 791, MedGen C0035334, MeSH D012174, MONDO:0019200, OMIM 268000. Inheritance: Autosomal dominant, autosomal recessive and X linked inheritance.
Leber congenital amaurosis 11 (LCA11). Identifiers: Orphanet 65, MedGen C1840284, MONDO:0013454, OMIM 613837.
IMPDH1-related disorder. Also called: IMPDH1-related condition; IMPDH1-related disorders.

Allele frequency attached by ClinVar (database versions not stated): gnomAD exomes 0.00036 and 0.00080; ExAC 0.00070; ESP Exome Variant Server 0.00170; gnomAD 0.00219 and 0.00239; 1000 Genomes Project 0.00280; 1000 Genomes Project 30x 0.00281; TOPMed 0.00317.
gnomAD v4.1: 913 of 1,612,340 alleles (0.057%); highest among the groups gnomAD compares: African/African-American, 0.51%; 1 homozygote.

Submissions (5):

PreventionGenetics, part of Exact Sciences
Classification: Benign for IMPDH1-related condition. Last evaluated: 2026-03-24. Review status: criteria provided, single submitter. Criteria: ACMG Guidelines, 2015. Collection method: clinical testing. Allele origin: germline.
Comment: This variant is classified as benign based on ACMG/AMP sequence variant interpretation guidelines (Richards et al. 2015 PMID: 25741868, with internal and published modifications).

Blueprint Genetics
Classification: Likely benign. Last evaluated: 2024-10-24. Review status: criteria provided, single submitter. Criteria: ACMG Guidelines, 2015. Collection method: clinical testing. Allele origin: germline.

Labcorp Genetics (formerly Invitae), Labcorp
Classification: Benign. Last evaluated: 2019-12-31. Review status: criteria provided, single submitter. Criteria: Invitae Variant Classification Sherloc (09022015). Collection method: clinical testing. Allele origin: germline.

Illumina Laboratory Services, Illumina
Classification: Likely benign for Leber congenital amaurosis 11. Last evaluated: 2018-01-12. Review status: criteria provided, single submitter. Criteria: ICSL Variant Classification Criteria 13 December 2019. Collection method: clinical testing. Allele origin: germline.
Comment: This variant was observed in the ICSL laboratory as part of a predisposition screen in an ostensibly healthy population. It had not been previously curated by ICSL or reported in the Human Gene Mutation Database (HGMD: prior to June 1st, 2018), and was therefore a candidate for classification through an automated scoring system. Utilizing variant allele frequency, disease prevalence and penetrance estimates, and inheritance mode, an automated score was calculated to assess if this variant is too frequent to cause the disease. Based on the score and internal cut-off values, a variant classified as likely benign is not then subjected to further curation. The score for this variant resulted in a classification of likely benign for this disease.

Illumina Laboratory Services, Illumina
Classification: Likely benign for Retinitis pigmentosa. Last evaluated: 2018-01-12. Review status: criteria provided, single submitter. Criteria: ICSL Variant Classification Criteria 13 December 2019. Collection method: clinical testing. Allele origin: germline.
Comment: the same text as in the submission from Illumina Laboratory Services, Illumina above.

NM_000883.4(IMPDH1):c.1074+6G>T

Gene: IMPDH1 (inosine monophosphate dehydrogenase 1; minus strand). Cytogenetic location: 7q32.1.
Variant type: single nucleotide variant.
Coding change: c.1074+6G>T on transcript NM_000883.4 (MANE Select); 6 bases into the intron after coding-DNA position 1074, G replaced by T.
Molecular consequence: intron variant.
Genome position (GRCh38, 1-based): chr7:128,398,408, C>A on the plus strand (G>T on the coding strand, the complement: IMPDH1 is on the minus strand). VCF-style: chr7-128398408-C-A. GRCh37 (hg19) VCF-style: chr7-128038462-C-A.
Other names: c.867+6G>T (NM_001304521.2); c.966+6G>T (NM_183243.3); c.1044+6G>T (NM_001102605.2); c.975+6G>T (NM_001142576.2); c.744+6G>T (NM_001142575.2); c.804+6G>T (NM_001142574.2); c.819+6G>T (NM_001142573.2).
Identifiers: ClinVar variation 774135 (VCV000774135.10), dbSNP rs61751224, ClinGen allele CA4470968.
Genomic context (GRCh38, chr7:128,398,408, plus strand): 5'-CCTCATAAACCTCCACTCTGCTGAACCACTCATCCATCTCCCCCACCACTCAGGCGGGGG[C>A]CTTACCAAGACTATGACGTCGACGCCCGCCTGGGTGAGCAGGTCCAGACGGTATTTGTCA-3'